The following is an entry in ClinVar:

ClinVar aggregate classification (germline): Uncertain significance (1 of 4 stars; one submission).

Submission:

GeneDx
Classification: Uncertain significance. Last evaluated: 2022-09-06. Review status: criteria provided, single submitter. Criteria: GeneDx Variant Classification Process June 2021. Collection method: clinical testing. Allele origin: germline. Affected: yes.
Comment: Not observed at significant frequency in large population cohorts (gnomAD); In silico analysis supports that this missense variant does not alter protein structure/function; Has not been previously published as pathogenic or benign to our knowledge

NM_018238.4(AGK):c.339G>A (p.Met113Ile)

Gene: AGK (acylglycerol kinase; plus strand). Cytogenetic location: 7q34.
Variant type: single nucleotide variant.
Coding change: c.339G>A on transcript NM_018238.4 (MANE Select); coding-DNA position 339, G replaced by A.
Protein change: p.Met113Ile; replaces methionine 113 with isoleucine.
Molecular consequence: missense variant.
Genome position (GRCh38, 1-based): chr7:141,611,236, G>A. VCF-style: chr7-141611236-G-A. GRCh37 (hg19) VCF-style: chr7-141311036-G-A.
Other names: c.339G>A, p.Met113Ile (NM_001364948.3); short protein forms M113I.
Identifiers: ClinVar variation 2442467 (VCV002442467.1), dbSNP rs2485379125, ClinGen allele CA369549529.